The following is an entry in ClinVar:

ClinVar aggregate classification (germline): Uncertain significance (1 of 4 stars; one submission).

Submission:

GeneDx
Classification: Uncertain significance. Last evaluated: 2024-09-04. Review status: criteria provided, single submitter. Criteria: GeneDx Variant Classification Process June 2021. Collection method: clinical testing. Allele origin: germline. Affected: yes.
Comment: Not observed at significant frequency in large population cohorts (gnomAD); In silico analysis indicates that this missense variant does not alter protein structure/function; Has not been previously published as pathogenic or benign to our knowledge

NM_003482.4(KMT2D):c.13933T>C (p.Ser4645Pro)

Gene: KMT2D (lysine methyltransferase 2D; minus strand). Cytogenetic location: 12q13.12.
Variant type: single nucleotide variant.
Coding change: c.13933T>C on transcript NM_003482.4 (MANE Select); coding-DNA position 13933, T replaced by C.
Protein change: p.Ser4645Pro; replaces serine 4645 with proline.
Molecular consequence: missense variant.
Genome position (GRCh38, 1-based): chr12:49,030,346, A>G on the plus strand (T>C on the coding strand, the complement: KMT2D is on the minus strand). VCF-style: chr12-49030346-A-G. GRCh37 (hg19) VCF-style: chr12-49424129-A-G.
Other names: short protein forms S4645P.
Identifiers: ClinVar variation 3767739 (VCV003767739.1).